The following is an entry in ClinVar:

NM_001378964.1(CDON):c.3706G>A (p.Glu1236Lys)

Gene: CDON (cell adhesion associated, oncogene regulated; minus strand). Cytogenetic location: 11q24.2.
Variant type: single nucleotide variant.
Coding change: c.3706G>A on transcript NM_001378964.1 (MANE Select); coding-DNA position 3706, G replaced by A.
Protein change: p.Glu1236Lys; replaces glutamic acid 1236 with lysine.
Molecular consequence: missense variant.
Genome position (GRCh38, 1-based): chr11:125,961,031, C>T on the plus strand (G>A on the coding strand, the complement: CDON is on the minus strand). VCF-style: chr11-125961031-C-T. GRCh37 (hg19) VCF-style: chr11-125830926-C-T.
Other names: c.3775G>A, p.Glu1259Lys (NM_001243597.3); c.3706G>A, p.Glu1236Lys (NM_016952.6); short protein forms E1259K, E1236K.
Identifiers: ClinVar variation 702444 (VCV000702444.12), dbSNP rs373765094, ClinGen allele CA6351300.

ClinVar aggregate classification (germline): Likely benign. Review status: criteria provided, multiple submitters, no conflicts (2 of 4 stars). 3 submissions from 3 submitters: Likely benign (2). 1 of the submissions does not count toward it. Last evaluated 2025-11-29.

Conditions:
CDON-related disorder. Also called: CDON-related condition.
Holoprosencephaly 11 (HPE11). Identifiers: Orphanet 2162, MedGen C3280215, MONDO:0013642, OMIM 614226.
Inborn genetic diseases. Identifiers: MedGen C0950123, MeSH D030342.

Allele frequency attached by ClinVar (database versions not stated): ESP Exome Variant Server 0.00015; gnomAD 0.00019 and 0.00021; TOPMed 0.00022.
gnomAD v4.1: 398 of 1,613,870 alleles (0.025%); highest among the groups gnomAD compares: Admixed American, 0.095%; no homozygotes.

Submissions (3):

Labcorp Genetics (formerly Invitae), Labcorp
Classification: Likely benign for Holoprosencephaly 11. Last evaluated: 2025-11-29. Review status: criteria provided, single submitter. Criteria: Invitae Variant Classification Sherloc (09022015). Collection method: clinical testing. Allele origin: germline.

Ambry Genetics
Classification: Likely benign for Inborn genetic diseases. Last evaluated: 2021-09-16. Review status: criteria provided, single submitter. Criteria: Ambry Variant Classification Scheme 2023. Collection method: clinical testing. Allele origin: germline.

PreventionGenetics, part of Exact Sciences
Classification: Likely benign for CDON-related condition. Last evaluated: 2022-04-20. Review status: no assertion criteria provided. Collection method: clinical testing. Allele origin: germline. Not counted in ClinVar's aggregate classification.
Comment: This variant is classified as likely benign based on ACMG/AMP sequence variant interpretation guidelines (Richards et al. 2015 PMID: 25741868, with internal and published modifications).